The following is an entry in ClinVar:

NM_001036.6(RYR3):c.14209C>G (p.Pro4737Ala)

Genes: AVEN (apoptosis and caspase activation inhibitor; minus strand), RYR3 (ryanodine receptor 3; plus strand). Cytogenetic location: 15q14.
Variant type: single nucleotide variant.
Coding change: c.14209C>G on transcript NM_001036.6 (MANE Select); coding-DNA position 14209, C replaced by G.
Protein change: p.Pro4737Ala; replaces proline 4737 with alanine.
Molecular consequence: missense variant.
Genome position (GRCh38, 1-based): chr15:33,859,641, C>G. VCF-style: chr15-33859641-C-G. GRCh37 (hg19) VCF-style: chr15-34151842-C-G.
Other names: c.14194C>G, p.Pro4732Ala (NM_001243996.4); short protein forms P4737A, P4732A.
Identifiers: ClinVar variation 530992 (VCV000530992.8), dbSNP rs760373919, ClinGen allele CA7461954.

ClinVar aggregate classification (germline): Uncertain significance (1 of 4 stars; one submission).

Conditions:
Epileptic encephalopathy. Identifiers: MedGen C0543888, HP:0200134.

Allele frequency attached by ClinVar (database versions not stated): gnomAD exomes below 0.00001 and 0.00002; ExAC 0.00001.
gnomAD v4.1: 25 of 1,613,940 alleles (0.0015%); highest among the groups gnomAD compares: Non-Finnish European, 0.002%; no homozygotes.

Submission:

Labcorp Genetics (formerly Invitae), Labcorp
Classification: Uncertain significance for Epileptic encephalopathy. Last evaluated: 2017-11-02. Review status: criteria provided, single submitter. Criteria: Invitae Variant Classification Sherloc (09022015). Collection method: clinical testing. Allele origin: germline.
Comment: This variant is present in population databases (rs760373919, ExAC 0.002%). This sequence change replaces proline with alanine at codon 4737 of the RYR3 protein (p.Pro4737Ala). The proline residue is highly conserved and there is a small physicochemical difference between proline and alanine. This variant has not been reported in the literature in individuals with RYR3-related disease. In summary, the available evidence is currently insufficient to determine the role of this variant in disease. Therefore, it has been classified as a Variant of Uncertain Significance. Algorithms developed to predict the effect of missense changes on protein structure and function do not agree on the potential impact of this missense change (SIFT: "Deleterious"; PolyPhen-2: "Possibly Damaging"; Align-GVGD: "Class C0").